The following is an entry in ClinVar:

ClinVar aggregate classification (germline): Likely benign (1 of 4 stars; one submission).

Submission:

CeGaT Center for Human Genetics Tuebingen
Classification: Likely benign. Last evaluated: 2024-02-01. Review status: criteria provided, single submitter. Criteria: CeGaT Center For Human Genetics Tuebingen Variant Classification Criteria Version 2. Collection method: clinical testing. Allele origin: germline. Affected: yes. Observed: 1 variant allele.
Comment: IMPG2: BP4

NM_016247.4(IMPG2):c.534-5del

Gene: IMPG2 (interphotoreceptor matrix proteoglycan 2; minus strand). Cytogenetic location: 3q12.3.
Variant type: Deletion.
Coding change: c.534-5del on transcript NM_016247.4 (MANE Select); 5 bases into the intron before coding-DNA position 534, one base deleted (T; older notation c.534-5delT).
Molecular consequence: intron variant.
Genome position (GRCh38, 1-based): chr3:101,276,718, A deleted on the plus strand (T on the coding strand, the reverse complement: IMPG2 is on the minus strand); the first of 9 consecutive A bases (chr3:101,276,718-101,276,726); deleting any one gives the same sequence. VCF-style (leftmost placement, unchanged base first): chr3-101276717-GA-G. GRCh37 (hg19) VCF-style: chr3-100995561-GA-G.
Identifiers: ClinVar variation 3024707 (VCV003024707.22), dbSNP rs567795716, ClinGen allele CA2519450.